The following is an entry in ClinVar:

NM_016734.3(PAX5):c.665A>G (p.Lys222Arg)

Gene: PAX5 (paired box 5; minus strand). Cytogenetic location: 9p13.2.
Variant type: single nucleotide variant.
Coding change: c.665A>G on transcript NM_016734.3 (MANE Select); coding-DNA position 665, A replaced by G.
Protein change: p.Lys222Arg; replaces lysine 222 with arginine.
Molecular consequence: missense variant. On other transcripts: non-coding transcript variant (2).
Genome position (GRCh38, 1-based): chr9:36,966,664, T>C on the plus strand (A>G on the coding strand, the complement: PAX5 is on the minus strand). VCF-style: chr9-36966664-T-C. GRCh37 (hg19) VCF-style: chr9-36966661-T-C.
Other names: c.665A>G, p.Lys222Arg (NM_001280547.2, NM_001280548.2, NM_001280549.2 and 2 more transcripts); c.341A>G, p.Lys114Arg (NM_001280551.2, NM_001280556.2); c.536A>G, p.Lys179Arg (NM_001280553.2, NM_001280554.2); c.467A>G, p.Lys156Arg (NM_001280555.2); short protein forms K156R, K114R, K179R, K222R.
Identifiers: ClinVar variation 4626979 (VCV004626979.1).
Genomic context (GRCh38, chr9:36,966,664, plus strand): 5'-TCAAACACGCGGTCCAGCACCTCCAGCTGCTGCTGTGTGAACAAGTCTCCCCGCATCTGC[T>C]TCCGGAGGAAGTCTCTGCCCGGAAGCGAGTGGCCGTTCGGCACCGGAGACTCCTGAATAC-3'
Protein context (NP_057953.1, residues 212-232): HSLPGRDFLR[Lys222Arg]QMRGDLFTQQ

ClinVar aggregate classification (germline): Uncertain significance (1 of 4 stars; one submission).

Conditions:
Inborn genetic diseases. Identifiers: MedGen C0950123, MeSH D030342.

gnomAD v4.1: 1 of 1,614,206 alleles (0.000062%); highest among the groups gnomAD compares: Non-Finnish European, 0.000085%; no homozygotes.

Submission:

Ambry Genetics
Classification: Uncertain significance for Inborn genetic diseases. Last evaluated: 2025-12-10. Review status: criteria provided, single submitter. Criteria: Ambry Variant Classification Scheme 2023. Collection method: clinical testing. Allele origin: germline.
Comment: The p.K222R variant (also known as c.665A>G), located in coding exon 6 of the PAX5 gene, results from an A to G substitution at nucleotide position 665. The lysine at codon 222 is replaced by arginine, an amino acid with highly similar properties. This amino acid position is conserved. In addition, this alteration is predicted to be deleterious by in silico analysis. Based on the available evidence, the clinical significance of this variant remains unclear.